The following is an entry in ClinVar:

NM_000051.4(ATM):c.1718del (p.Lys573fs)

Gene: ATM (ATM serine/threonine kinase; plus strand). Cytogenetic location: 11q22.3.
Variant type: Deletion.
Coding change: c.1718del on transcript NM_000051.4 (MANE Select); coding-DNA position 1718, one base deleted (A; older notation c.1718delA).
Protein change: p.Lys573fs; shifts the reading frame from lysine 573.
Molecular consequence: frameshift variant.
Genome position (GRCh38, 1-based): chr11:108,251,947, A deleted; the last of 3 consecutive A bases (chr11:108,251,945-108,251,947); deleting any one gives the same sequence. VCF-style (leftmost placement, unchanged base first): chr11-108251944-TA-T. GRCh37 (hg19) VCF-style: chr11-108122671-TA-T.
Other names: c.1718del, p.Lys573fs (NM_001351834.2); short protein forms K573fs.
Identifiers: ClinVar variation 3148561 (VCV003148561.1), dbSNP rs2497271189, ClinGen allele CA2695215374.

ClinVar aggregate classification (germline): Pathogenic (1 of 4 stars; one submission).

Conditions:
Familial cancer of breast. Also called: BREAST CANCER, FAMILIAL; Hereditary breast cancer; hereditary breast carcinoma. Identifiers: Orphanet 227535, MedGen C0346153, MONDO:0016419, OMIM 114480. Disease mechanism: loss of function.

Submission:

Myriad Genetics, Inc.
Classification: Pathogenic for Familial cancer of breast. Last evaluated: 2024-01-16. Review status: criteria provided, single submitter. Criteria: Myriad Autosomal Dominant, Autosomal Recessive and X-Linked Classification Criteria (2023). Collection method: clinical testing. Allele origin: unknown.
Comment: This variant is considered pathogenic. This variant creates a frameshift predicted to result in premature protein truncation.